The following is an entry in ClinVar:

ClinVar aggregate classification (germline): Likely benign. Review status: criteria provided, multiple submitters, no conflicts (2 of 4 stars). 3 submissions from 3 submitters: Likely benign (2). 1 of the submissions does not count toward it. Last evaluated 2024-09-21.

Conditions:
CACNA1F-related disorder. Also called: CACNA1F-related condition.

Allele frequency attached by ClinVar (database versions not stated): ESP Exome Variant Server 0.00019.
gnomAD v4.1: 368 of 1,208,162 alleles (0.03%); highest among the groups gnomAD compares: Non-Finnish European, 0.039%; no homozygotes.

Submissions (3):

Labcorp Genetics (formerly Invitae), Labcorp
Classification: Likely benign. Last evaluated: 2024-09-21. Review status: criteria provided, single submitter. Criteria: Invitae Variant Classification Sherloc (09022015). Collection method: clinical testing. Allele origin: germline.

Blueprint Genetics
Classification: Likely benign. Last evaluated: 2024-06-10. Review status: criteria provided, single submitter. Criteria: ACMG Guidelines, 2015. Collection method: clinical testing. Allele origin: germline.

PreventionGenetics, part of Exact Sciences
Classification: Likely benign for CACNA1F-related condition. Last evaluated: 2019-04-18. Review status: no assertion criteria provided. Collection method: clinical testing. Allele origin: germline. Not counted in ClinVar's aggregate classification.
Comment: This variant is classified as likely benign based on ACMG/AMP sequence variant interpretation guidelines (Richards et al. 2015 PMID: 25741868, with internal and published modifications).

NM_001256789.3(CACNA1F):c.3501G>A (p.Pro1167=)

Gene: CACNA1F (calcium voltage-gated channel subunit alpha1 F; minus strand). Cytogenetic location: Xp11.23.
Variant type: single nucleotide variant.
Coding change: c.3501G>A on transcript NM_001256789.3 (MANE Select); coding-DNA position 3501, G replaced by A.
Protein change: p.Pro1167=; no amino-acid change (proline 1167 retained).
Molecular consequence: synonymous variant.
Genome position (GRCh38, 1-based): chrX:49,215,182, C>T on the plus strand (G>A on the coding strand, the complement: CACNA1F is on the minus strand). VCF-style: chrX-49215182-C-T. GRCh37 (hg19) VCF-style: chrX-49071642-C-T.
Other names: c.3339G>A, p.Pro1113= (NM_001256790.3); c.3534G>A, p.Pro1178= (NM_005183.4); c.3534G>A (NM_005183.3).
Identifiers: ClinVar variation 1126583 (VCV001126583.12), dbSNP rs143720262, ClinGen allele CA10410435.